The following is an entry in ClinVar:

NM_001164508.2(NEB):c.24536C>T (p.Pro8179Leu)

Genes: NEB (nebulin; minus strand), RIF1 (replication timing regulatory factor 1; plus strand). Cytogenetic location: 2q23.3.
Variant type: single nucleotide variant.
Coding change: c.24536C>T on transcript NM_001164508.2 (MANE Select); coding-DNA position 24536, C replaced by T.
Protein change: p.Pro8179Leu; replaces proline 8179 with leucine.
Molecular consequence: missense variant.
Genome position (GRCh38, 1-based): chr2:151,494,204, G>A on the plus strand (C>T on the coding strand, the complement: NEB is on the minus strand). VCF-style: chr2-151494204-G-A. GRCh37 (hg19) VCF-style: chr2-152350718-G-A.
Other names: c.24536C>T, p.Pro8179Leu (NM_001164507.2); c.24641C>T, p.Pro8214Leu (NM_001271208.2); c.18968C>T, p.Pro6323Leu (NM_004543.5); short protein forms P8179L, P8214L, P6323L.
Identifiers: ClinVar variation 2185301 (VCV002185301.1), dbSNP rs2551740700, ClinGen allele CA348776781.

ClinVar aggregate classification (germline): Uncertain significance (1 of 4 stars; one submission).

Conditions:
Nemaline myopathy 2 (NEM2). Also called: Nemaline myopathy 2, autosomal recessive. Identifiers: MedGen C1850569, MONDO:0009725, OMIM 256030.

Allele frequency attached by ClinVar (database versions not stated): gnomAD exomes below 0.00001.
gnomAD v4.1: 1 of 1,608,262 alleles (0.000062%); highest among the groups gnomAD compares: Non-Finnish European, 0.000085%; no homozygotes.

Submission:

Labcorp Genetics (formerly Invitae), Labcorp
Classification: Uncertain significance for Nemaline myopathy 2. Last evaluated: 2022-05-15. Review status: criteria provided, single submitter. Criteria: Invitae Variant Classification Sherloc (09022015). Collection method: clinical testing. Allele origin: germline.
Comment: This sequence change replaces proline, which is neutral and non-polar, with leucine, which is neutral and non-polar, at codon 8214 of the NEB protein (p.Pro8214Leu). This variant is not present in population databases (gnomAD no frequency). This variant has not been reported in the literature in individuals affected with NEB-related conditions. Algorithms developed to predict the effect of missense changes on protein structure and function are either unavailable or do not agree on the potential impact of this missense change (SIFT: "Deleterious"; PolyPhen-2: "Not Available"; Align-GVGD: "Class C0"). Algorithms developed to predict the effect of sequence changes on RNA splicing suggest that this variant may disrupt the consensus splice site. In summary, the available evidence is currently insufficient to determine the role of this variant in disease. Therefore, it has been classified as a Variant of Uncertain Significance.